The following is an entry in ClinVar:

NM_021954.4(GJA3):c.-17-245_-17-235del

Gene: GJA3 (gap junction protein alpha 3; minus strand). Cytogenetic location: 13q12.11.
Variant type: Deletion.
Coding change: c.-17-245_-17-235del on transcript NM_021954.4 (MANE Select); 245 bases into the intron before 17 bases upstream of the start codon through 235 bases into the intron before 17 bases upstream of the start codon, 11 bases deleted (TTTTCTCTTCT).
Molecular consequence: intron variant.
Genome position (GRCh38, 1-based): chr13:20,143,540-20,143,550, AGAAGAGAAAA deleted on the plus strand (TTTTCTCTTCT on the coding strand, the reverse complement: GJA3 is on the minus strand). VCF-style (leftmost placement, unchanged base first): chr13-20143539-CAGAAGAGAAAA-C. GRCh37 (hg19) VCF-style: chr13-20717678-CAGAAGAGAAAA-C.
Identifiers: ClinVar variation 1707190 (VCV001707190.2), dbSNP rs1213486301, ClinGen allele CA608566148.

ClinVar aggregate classification (germline): Likely benign (1 of 4 stars; one submission).

Allele frequency attached by ClinVar (database versions not stated): gnomAD 0.00617.

Submission:

GeneDx
Classification: Likely benign. Last evaluated: 2021-10-19. Review status: criteria provided, single submitter. Criteria: GeneDx Variant Classification Process June 2021. Collection method: clinical testing. Allele origin: germline. Affected: yes.
Comment: See Variant Classification Assertion Criteria.